The following is an entry in ClinVar:

ClinVar aggregate classification (germline): Uncertain significance. Review status: criteria provided, multiple submitters, no conflicts (2 of 4 stars). 3 submissions from 3 submitters: Uncertain significance (3). Last evaluated 2025-03-29.

Conditions:
Inborn genetic diseases. Identifiers: MedGen C0950123, MeSH D030342.
Pulmonary fibrosis and/or bone marrow failure, Telomere-related, 3. Also called: PULMONARY FIBROSIS AND/OR BONE MARROW FAILURE SYNDROME, TELOMERE-RELATED, 3. Identifiers: Orphanet 2032, MedGen C4225346, MONDO:0014613, OMIM 616373.
Dyskeratosis congenita, autosomal recessive 5 (DKCB5). Identifiers: MedGen C3554656, MONDO:0014076, OMIM 615190.

Submissions (3):

Ambry Genetics
Classification: Uncertain significance for Inborn genetic diseases. Last evaluated: 2025-03-29. Review status: criteria provided, single submitter. Criteria: Ambry Variant Classification Scheme 2023. Collection method: clinical testing. Allele origin: germline.
Comment: The p.P807S variant (also known as c.2419C>T), located in coding exon 26 of the RTEL1 gene, results from a C to T substitution at nucleotide position 2419. The proline at codon 807 is replaced by serine, an amino acid with similar properties. This amino acid position is conserved. In addition, this alteration is predicted to be tolerated by in silico analysis. Based on the available evidence, the clinical significance of this variant remains unclear.

Labcorp Genetics (formerly Invitae), Labcorp
Classification: Uncertain significance for Dyskeratosis congenita, autosomal recessive 5; Pulmonary fibrosis and/or bone marrow failure, Telomere-related, 3. Last evaluated: 2024-05-10. Review status: criteria provided, single submitter. Criteria: Invitae Variant Classification Sherloc (09022015). Collection method: clinical testing. Allele origin: germline.
Comment: This sequence change replaces proline, which is neutral and non-polar, with serine, which is neutral and polar, at codon 807 of the RTEL1 protein (p.Pro807Ser). This variant is present in population databases (no rsID available, gnomAD 0.009%). This variant has not been reported in the literature in individuals affected with RTEL1-related conditions. Algorithms developed to predict the effect of missense changes on protein structure and function output the following: SIFT: "Not Available"; PolyPhen-2: "Benign"; Align-GVGD: "Not Available". The serine amino acid residue is found in multiple mammalian species, which suggests that this missense change does not adversely affect protein function. In summary, the available evidence is currently insufficient to determine the role of this variant in disease. Therefore, it has been classified as a Variant of Uncertain Significance.

Blueprint Genetics
Classification: Uncertain significance. Last evaluated: 2019-07-09. Review status: criteria provided, single submitter. Criteria: ACMG Guidelines, 2015. Collection method: clinical testing. Allele origin: germline.

NM_001283009.2(RTEL1):c.2419C>T (p.Pro807Ser)

Genes: RTEL1 (regulator of telomere elongation helicase 1; plus strand), RTEL1-TNFRSF6B (RTEL1-TNFRSF6B readthrough (NMD candidate); plus strand). Cytogenetic location: 20q13.33.
Variant type: single nucleotide variant.
Coding change: c.2419C>T on transcript NM_001283009.2 (MANE Select); coding-DNA position 2419, C replaced by T.
Protein change: p.Pro807Ser; replaces proline 807 with serine.
Molecular consequence: missense variant. On other transcripts: non-coding transcript variant (1).
Genome position (GRCh38, 1-based): chr20:63,690,810, C>T. VCF-style: chr20-63690810-C-T. GRCh37 (hg19) VCF-style: chr20-62322163-C-T.
Other names: c.1750C>T, p.Pro584Ser (NM_001283010.1); c.2419C>T, p.Pro807Ser (NM_016434.4); c.2491C>T, p.Pro831Ser (NM_032957.5); short protein forms P584S, P807S, P831S.
Identifiers: ClinVar variation 3751587 (VCV003751587.4).